The following is an entry in ClinVar:

ClinVar aggregate classification (germline): Pathogenic (1 of 4 stars; one submission).

Conditions:
Ataxia-telangiectasia syndrome (AT). Also called: AT, COMPLEMENTATION GROUP C; ATAXIA-TELANGIECTASIA, COMPLEMENTATION GROUP A; ATAXIA-TELANGIECTASIA, FRESNO VARIANT; Ataxia-telangiectasia; Ataxia telangiectasia (A-T); LOUIS-BAR SYNDROME. Identifiers: Orphanet 100, MedGen C0004135, MONDO:0008840, OMIM 208900.

Submission:

Labcorp Genetics (formerly Invitae), Labcorp
Classification: Pathogenic for Ataxia-telangiectasia syndrome. Last evaluated: 2016-03-15. Review status: criteria provided, single submitter. Criteria: Invitae Variant Classification Sherloc (09022015). Collection method: clinical testing. Allele origin: germline.
Comment: This variant is a gross deletion of the genomic region encompassing exons 19-27 of the ATM gene. This creates a premature translational stop signal and is expected to result in an absent or disrupted protein product. While this particular variant has not been reported in the literature, truncating variants in ATM are known to be pathogenic (PMID: 10817650, 19781682). For these reasons, this variant has been classified as Pathogenic.

NM_000051.3(ATM):c.2839-?_4109+?del

Gene: ATM (ATM serine/threonine kinase; plus strand).
Variant type: Deletion.
Coding change: c.2839-?_4109+?del on transcript NM_000051.3.
Other names: c.2839-?_4109+?del (LRG_135t1).
Identifiers: ClinVar variation 254087 (VCV000254087.1).